The following is an entry in ClinVar:

ClinVar aggregate classification (germline): Uncertain significance. Review status: criteria provided, multiple submitters, no conflicts (2 of 4 stars). 2 submissions from 2 submitters: Uncertain significance (2). Last evaluated 2025-07-28.

Conditions:
Hereditary cancer-predisposing syndrome. Also called: Tumor predisposition; Hereditary Cancer Syndrome; Neoplastic Syndromes, Hereditary; Hereditary neoplastic syndrome. Identifiers: Orphanet 140162, MedGen C0027672, MeSH D009386, MONDO:0015356.
Familial cancer of breast. Also called: Hereditary breast cancer; BREAST CANCER, FAMILIAL; hereditary breast carcinoma. Identifiers: Orphanet 227535, MedGen C0346153, MONDO:0016419, OMIM 114480. Disease mechanism: loss of function.

Allele frequency attached by ClinVar (database versions not stated): gnomAD exomes below 0.00001.
gnomAD v4.1: 3 of 1,613,076 alleles (0.00019%); highest among the groups gnomAD compares: Non-Finnish European, 0.00025%; no homozygotes.

Submissions (2):

Labcorp Genetics (formerly Invitae), Labcorp
Classification: Uncertain significance for Familial cancer of breast. Last evaluated: 2025-07-28. Review status: criteria provided, single submitter. Criteria: Invitae Variant Classification Sherloc (09022015). Collection method: clinical testing. Allele origin: germline.
Comment: This sequence change replaces isoleucine, which is neutral and non-polar, with threonine, which is neutral and polar, at codon 92 of the BARD1 protein (p.Ile92Thr). This variant is not present in population databases (gnomAD no frequency). This variant has not been reported in the literature in individuals affected with BARD1-related conditions. ClinVar contains an entry for this variant (Variation ID: 1795676). An algorithm developed to predict the effect of missense changes on protein structure and function (PolyPhen-2) suggests that this variant is likely to be disruptive. In summary, the available evidence is currently insufficient to determine the role of this variant in disease. Therefore, it has been classified as a Variant of Uncertain Significance.

Ambry Genetics
Classification: Uncertain significance for Hereditary cancer-predisposing syndrome. Last evaluated: 2021-11-22. Review status: criteria provided, single submitter. Criteria: Ambry Variant Classification Scheme 2023. Collection method: clinical testing. Allele origin: germline.
Comment: The p.I92T variant (also known as c.275T>C), located in coding exon 3 of the BARD1 gene, results from a T to C substitution at nucleotide position 275. The isoleucine at codon 92 is replaced by threonine, an amino acid with similar properties. This amino acid position is conserved. In addition, the in silico prediction for this alteration is inconclusive. Since supporting evidence is limited at this time, the clinical significance of this alteration remains unclear.

NM_000465.4(BARD1):c.275T>C (p.Ile92Thr)

Gene: BARD1 (BRCA1 associated RING domain 1; minus strand). Cytogenetic location: 2q35.
Variant type: single nucleotide variant.
Coding change: c.275T>C on transcript NM_000465.4 (MANE Select); coding-DNA position 275, T replaced by C.
Protein change: p.Ile92Thr; replaces isoleucine 92 with threonine.
Molecular consequence: missense variant. On other transcripts: non-coding transcript variant (1), intron variant (2).
Genome position (GRCh38, 1-based): chr2:214,792,386, A>G on the plus strand (T>C on the coding strand, the complement: BARD1 is on the minus strand). VCF-style: chr2-214792386-A-G. GRCh37 (hg19) VCF-style: chr2-215657110-A-G.
Other names: c.218T>C, p.Ile73Thr (NM_001282543.2); c.275T>C, p.Ile92Thr (NM_001282549.2); c.158+17026T>C (NM_001282548.2); c.215+4675T>C (NM_001282545.2); short protein forms I73T, I92T.
Identifiers: ClinVar variation 1795676 (VCV001795676.5), dbSNP rs2106134993, ClinGen allele CA350461105.